The following is an entry in ClinVar:

ClinVar aggregate classification (germline): Uncertain significance (1 of 4 stars; one submission).

Allele frequency attached by ClinVar (database versions not stated): gnomAD exomes below 0.00001; gnomAD 0.00001; TOPMed 0.00001.
gnomAD v4.1: 4 of 1,614,120 alleles (0.00025%); highest among the groups gnomAD compares: African/African-American, 0.0053%; no homozygotes.

Submission:

Labcorp Genetics (formerly Invitae), Labcorp
Classification: Uncertain significance. Last evaluated: 2022-05-04. Review status: criteria provided, single submitter. Criteria: Invitae Variant Classification Sherloc (09022015). Collection method: clinical testing. Allele origin: germline.
Comment: In summary, the available evidence is currently insufficient to determine the role of this variant in disease. Therefore, it has been classified as a Variant of Uncertain Significance. Algorithms developed to predict the effect of missense changes on protein structure and function are either unavailable or do not agree on the potential impact of this missense change (SIFT: "Deleterious"; PolyPhen-2: "Benign"; Align-GVGD: "Class C0"). This variant has not been reported in the literature in individuals affected with OPN1SW-related conditions. This variant is present in population databases (no rsID available, gnomAD 0.008%). This sequence change replaces serine, which is neutral and polar, with proline, which is neutral and non-polar, at codon 289 of the OPN1SW protein (p.Ser289Pro).

NM_001385125.1(OPN1SW):c.856T>C (p.Ser286Pro)

Gene: OPN1SW (opsin 1, short wave sensitive; minus strand). Cytogenetic location: 7q32.1.
Variant type: single nucleotide variant.
Coding change: c.856T>C on transcript NM_001385125.1 (MANE Select); coding-DNA position 856, T replaced by C.
Protein change: p.Ser286Pro; replaces serine 286 with proline.
Molecular consequence: missense variant.
Genome position (GRCh38, 1-based): chr7:128,773,711, A>G on the plus strand (T>C on the coding strand, the complement: OPN1SW is on the minus strand). VCF-style: chr7-128773711-A-G. GRCh37 (hg19) VCF-style: chr7-128413765-A-G.
Other names: short protein forms S286P.
Identifiers: ClinVar variation 2053752 (VCV002053752.4), dbSNP rs1464792950, ClinGen allele CA369217652.